The following is an entry in ClinVar:

NM_000257.4(MYH7):c.853A>T (p.Ile285Phe)

Gene: MYH7 (myosin heavy chain 7; minus strand). Cytogenetic location: 14q11.2.
Variant type: single nucleotide variant.
Coding change: c.853A>T on transcript NM_000257.4 (MANE Select); coding-DNA position 853, A replaced by T.
Protein change: p.Ile285Phe; replaces isoleucine 285 with phenylalanine.
Molecular consequence: missense variant.
Genome position (GRCh38, 1-based): chr14:23,430,943, T>A on the plus strand (A>T on the coding strand, the complement: MYH7 is on the minus strand). VCF-style: chr14-23430943-T-A. GRCh37 (hg19) VCF-style: chr14-23900152-T-A.
Other names: c.853A>T, p.Ile285Phe (NM_001407004.1); short protein forms I285F.
Identifiers: ClinVar variation 4880009 (VCV004880009.1).

ClinVar aggregate classification (germline): Likely pathogenic (0 of 4 stars; one submission).

Conditions:
Dilated cardiomyopathy 1S (CMD1S). Identifiers: Orphanet 154, Orphanet 54260, MedGen C1834481, MONDO:0013262, OMIM 613426.

Submission:

Genetic Centre, IVF Riga Clinic
Classification: Likely pathogenic for Dilated cardiomyopathy 1S. Last evaluated: 2026-07-08. Review status: no assertion criteria provided. Collection method: clinical testing. Allele origin: unknown. Inheritance: Autosomal dominant inheritance. Affected: yes. Observed: 1 variant allele, 1 heterozygote.
Comment: The following ACMG criteria were used: PM1 – variant is located in the Myosin head motor domain (class II myosin heavy chain 7), PM2 – variant is absent from populational databases (gnomAD v4.1), PP3 – multiple lines of computational evidence suggest deleterious effect on protein function, as well as the position is highly conserved in vertebrates, PP4 – individual’s phenotype highly specific for the disease. Based on the information provided above, Ile285Phe was classified as likely pathogenic.